The following is an entry in ClinVar:

GRCh38/hg38 1p36.21(chr1:15438455-15438514)

Gene: CTRC (chymotrypsin C; plus strand). Cytogenetic location: 1p36.21.
Variant type: copy number gain.
Identifiers: ClinVar variation 665644 (VCV000665644.5).

ClinVar aggregate classification (germline): Uncertain significance (1 of 4 stars; one submission).

Conditions:
Hereditary pancreatitis (PCTT). Also called: PRSS1-Related Hereditary Pancreatitis; Hereditary chronic pancreatitis. Identifiers: Orphanet 676, MedGen C0238339, MONDO:0008185, OMIM 167800.

Submission:

Labcorp Genetics (formerly Invitae), Labcorp
Classification: Uncertain significance for Hereditary pancreatitis. Last evaluated: 2018-08-18. Review status: criteria provided, single submitter. Criteria: Invitae Variant Classification Sherloc (09022015). Collection method: clinical testing. Allele origin: germline.
Comment: This variant results in a copy number gain of the genomic region encompassing exon 1¬† of the CTRC gene. The 5' end of this event is unknown as it extends beyond the assayed region for this gene and therefore may encompass additional genes. The 3' boundary is likely confined to intron 1 of the CTRC gene. As the precise location of this event is unknown, it may be in tandem or it may be located elsewhere in the genome. In summary, the available evidence is currently insufficient to determine the role of this variant in disease. Therefore, it has been classified as a Variant of Uncertain Significance. Similar gains have not been reported in the literature in individuals with CTRC-related disease.